The following is an entry in ClinVar:

ClinVar aggregate classification (germline): Benign. Review status: criteria provided, multiple submitters, no conflicts (2 of 4 stars). 3 submissions from 3 submitters: Benign (2). 1 of the submissions does not count toward it. Last evaluated 2018-11-12.

Conditions:
USP26-related disorder. Also called: USP26-related condition.

Allele frequency attached by ClinVar (database versions not stated): 1000 Genomes Project 30x 0.29657; 1000 Genomes Project 0.30411; TOPMed 0.32585; gnomAD 0.35303 and 0.35605; ESP Exome Variant Server 0.35325; gnomAD exomes 0.39672 and 0.46101; ExAC 0.39914.
gnomAD v4.1: 544,551 of 1,207,629 alleles (45%); highest among the groups gnomAD compares: Middle Eastern, 52%; 87,696 homozygotes.

Submissions (3):

GeneDx
Classification: Benign. Last evaluated: 2018-11-12. Review status: criteria provided, single submitter. Criteria: GeneDx Variant Classification Process June 2021. Collection method: clinical testing. Allele origin: germline. Affected: yes.

Breakthrough Genomics
Classification: Benign. Review status: criteria provided, single submitter. Criteria: ACMG Guidelines, 2015. Collection method: not provided. Allele origin: germline. Inheritance: Unknown mechanism. Affected: yes.

PreventionGenetics, part of Exact Sciences
Classification: Benign for USP26-related condition. Last evaluated: 2019-10-16. Review status: no assertion criteria provided. Collection method: clinical testing. Allele origin: germline. Not counted in ClinVar's aggregate classification.
Comment: This variant is classified as benign based on ACMG/AMP sequence variant interpretation guidelines (Richards et al. 2015 PMID: 25741868, with internal and published modifications).

NM_031907.3(USP26):c.576G>A (p.Glu192=)

Gene: USP26 (ubiquitin specific peptidase 26; minus strand). Cytogenetic location: Xq26.2.
Variant type: single nucleotide variant.
Coding change: c.576G>A on transcript NM_031907.3 (MANE Select); coding-DNA position 576, G replaced by A.
Protein change: p.Glu192=; no amino-acid change (glutamic acid 192 retained).
Molecular consequence: synonymous variant.
Genome position (GRCh38, 1-based): chrX:133,027,645, C>T on the plus strand (G>A on the coding strand, the complement: USP26 is on the minus strand). VCF-style: chrX-133027645-C-T. GRCh37 (hg19) VCF-style: chrX-132161673-C-T.
Identifiers: ClinVar variation 1272488 (VCV001272488.4), dbSNP rs41304540, ClinGen allele CA10519989.